The following is an entry in ClinVar:

NM_013275.6(ANKRD11):c.6580C>T (p.Gln2194Ter)

Gene: ANKRD11 (ankyrin repeat domain containing 11; minus strand). Cytogenetic location: 16q24.3.
Variant type: single nucleotide variant.
Coding change: c.6580C>T on transcript NM_013275.6 (MANE Select); coding-DNA position 6580, C replaced by T.
Protein change: p.Gln2194Ter; replaces glutamine 2194 with a stop codon.
Molecular consequence: nonsense.
Genome position (GRCh38, 1-based): chr16:89,279,962, G>A on the plus strand (C>T on the coding strand, the complement: ANKRD11 is on the minus strand). VCF-style: chr16-89279962-G-A. GRCh37 (hg19) VCF-style: chr16-89346370-G-A.
Other names: c.6580C>T, p.Gln2194Ter (NM_001256182.2, NM_001256183.2); short protein forms Q2194*.
Identifiers: ClinVar variation 620317 (VCV000620317.1), dbSNP rs201589586, ClinGen allele CA397150500.

ClinVar aggregate classification (germline): Likely pathogenic (1 of 4 stars; one submission).

Submission:

GeneDx
Classification: Likely pathogenic. Last evaluated: 2018-08-06. Review status: criteria provided, single submitter. Criteria: GeneDx Variant Classification (06012015). Collection method: clinical testing. Allele origin: germline. Affected: yes.
Comment: The Q2194X variant has not been published as a pathogenic variant, nor has it been reported as a benign variant to our knowledge. The Q2194X nonsense variant is predicted to cause loss of normal protein function either through protein truncation or nonsense-mediated mRNA decay. Furthermore, the Q2194X variant is not observed in large population cohorts (Lek et al., 2016). Therefore, this variant is likely pathogenic; however, the possibility that it is benign cannot be excluded.